The following is an entry in ClinVar:

ClinVar aggregate classification (germline): Likely benign. Review status: criteria provided, multiple submitters, no conflicts (2 of 4 stars). 2 submissions from 2 submitters: Likely benign (2). Last evaluated 2025-08-19.

Conditions:
Charcot-Marie-Tooth disease type 4. Also called: Charcot-Marie-Tooth, Type 4; Charcot-Marie-Tooth disease, type IV. Identifiers: Orphanet 64749, MedGen C4082197, MONDO:0018995.
SBF2-related disorder. Also called: SBF2-related condition.

Allele frequency attached by ClinVar (database versions not stated): gnomAD exomes 0.00001; ExAC 0.00004; gnomAD 0.00007; TOPMed 0.00009; ESP Exome Variant Server 0.00031.
gnomAD v4.1: 20 of 1,609,964 alleles (0.0012%); highest among the groups gnomAD compares: African/African-American, 0.027%; no homozygotes.

Submissions (2):

PreventionGenetics, part of Exact Sciences
Classification: Likely benign for SBF2-related condition. Last evaluated: 2025-08-19. Review status: criteria provided, single submitter. Criteria: ACMG Guidelines, 2015. Collection method: clinical testing. Allele origin: germline.
Comment: This variant is classified as likely benign based on ACMG/AMP sequence variant interpretation guidelines (Richards et al. 2015 PMID: 25741868, with internal and published modifications).

Labcorp Genetics (formerly Invitae), Labcorp
Classification: Likely benign for Charcot-Marie-Tooth disease type 4. Last evaluated: 2023-04-10. Review status: criteria provided, single submitter. Criteria: Invitae Variant Classification Sherloc (09022015). Collection method: clinical testing. Allele origin: germline.

NM_030962.4(SBF2):c.3257-9C>T

Genes: SBF2 (SET binding factor 2; minus strand), LOC101928008 (uncharacterized LOC101928008; plus strand). Cytogenetic location: 11p15.4.
Variant type: single nucleotide variant.
Coding change: c.3257-9C>T on transcript NM_030962.4 (MANE Select); 9 bases into the intron before coding-DNA position 3257, C replaced by T.
Molecular consequence: intron variant.
Genome position (GRCh38, 1-based): chr11:9,839,705, G>A on the plus strand (C>T on the coding strand, the complement: SBF2 is on the minus strand). VCF-style: chr11-9839705-G-A. GRCh37 (hg19) VCF-style: chr11-9861252-G-A.
Other names: c.3257-9C>T (NM_030962.3, NM_001386339.1); c.3128-9C>T (NM_001386342.1).
Identifiers: ClinVar variation 2156742 (VCV002156742.5), dbSNP rs371439410, ClinGen allele CA5881324.